The following is an entry in ClinVar:

NC_000002.11:g.(?_163123583)_(163175195_?)dup

Gene: IFIH1 (interferon induced with helicase C domain 1; minus strand). Cytogenetic location: 2q24.2.
Variant type: Duplication.
Identifiers: ClinVar variation 4848660 (VCV004848660.1).

ClinVar aggregate classification (germline): Uncertain significance (1 of 4 stars; one submission).

Submission:

Women's Health and Genetics/Laboratory Corporation of America, LabCorp
Classification: Uncertain significance. Last evaluated: 2026-04-28. Review status: criteria provided, single submitter. Criteria: LabCorp Variant Classification Summary - May 2015. Collection method: clinical testing. Allele origin: germline.
Comment: Variant summary: The variant involves the duplication of exons 1-16 in the IFIH1 gene. A presumed nomenclature of c.(?_-378)_(*127_?)dup has been designated for the purposes of this classification. A duplication of the IFIH1 gene (which also includes a part of the flanking gene, FAP) was found at a frequency of 2.2e-06 in 462883 control chromosomes in the gnomAD database (CNVs v4.1 dataset). The available data on variant occurrences in the general population are insufficient to allow any conclusion about variant significance. To our knowledge, no occurrence of c.(?_-378)_(*127_?)dup in individuals affected with IFIH1-related conditions and no experimental evidence demonstrating its impact on protein function have been reported. ClinVar contains an entry for this variant (Variation ID: 1450005). Based on the evidence outlined above, the variant was classified as uncertain significance.